The following is an entry in ClinVar:

ClinVar aggregate classification (germline): Conflicting classifications of pathogenicity. Review status: criteria provided, conflicting classifications (1 of 4 stars). 7 submissions from 7 submitters: Pathogenic (1); Likely pathogenic (4); Uncertain significance (2). Last evaluated 2025-09-25.

Conditions:
Primary hyperoxaluria. Identifiers: Orphanet 416, MedGen C0020501, MONDO:0002474.
Primary hyperoxaluria, type I (HP1). Also called: GLYCOLIC ACIDURIA; HEPATIC AGT DEFICIENCY; OXALOSIS I; Primary hyperoxaluria type 1. Identifiers: Orphanet 416, Orphanet 93598, MedGen C0268164, MONDO:0009823, OMIM 259900. Disease mechanism: loss of function.

Allele frequency attached by ClinVar (database versions not stated): gnomAD exomes 0.00002 and 0.00006; ExAC 0.00004; TOPMed below 0.00001.

Submissions (7):

Women's Health and Genetics/Laboratory Corporation of America, LabCorp
Classification: Likely pathogenic for Primary hyperoxaluria. Last evaluated: 2025-09-25. Review status: criteria provided, single submitter. Criteria: LabCorp Variant Classification Summary - May 2015. Collection method: clinical testing. Allele origin: germline.
Comment: Variant summary: AGXT c.167T>A (p.Ile56Asn) results in a non-conservative amino acid change located in the Aminotransferase class V domain (IPR000192) of the encoded protein sequence. Algorithms developed to predict the effect of missense changes on protein structure and function all suggest that this variant is likely to be disruptive. Consensus agreement among computation tools predict no significant impact on normal splicing. However, these predictions have yet to be confirmed by functional studies. The variant allele was found at a frequency of 5.6e-05 in 251834 control chromosomes. This frequency is not significantly higher than estimated for disease-causing variants in AGXT, allowing no conclusion about variant significance. c.167T>A has been reported in the literature in individuals affected with Primary Hyperoxaluria Type 1 (M'dimegh_2016, Krishnamurthy_2017, Williams_2009, Chatterjee_2022). These data indicate that the variant is likely to be associated with disease. Experimental evidence demonstrated the variant affects protein function (Lage_2014, Dindo_2018, Dindo_2020). The following publications have been ascertained in the context of this evaluation (PMID: 19479957, 32792227, 28904440, 33691640, 24718375, 29110180, 27935012, 36619171). ClinVar contains an entry for this variant (Variation ID: 204077). Based on the evidence outlined above, the variant was classified as likely pathogenic.

Revvity Omics, Revvity
Classification: Likely pathogenic for Primary hyperoxaluria, type I. Last evaluated: 2025-06-25. Review status: criteria provided, single submitter. Criteria: ACMG Guidelines, 2015. Collection method: clinical testing. Allele origin: germline.

First Genomix Gene Laboratory, Genetic Diagnostics Department
Classification: Likely pathogenic for Primary hyperoxaluria, type I. Last evaluated: 2025-03-21. Review status: criteria provided, single submitter. Criteria: ACMG Guidelines, 2015. Collection method: clinical testing. Allele origin: germline. Inheritance: Autosomal recessive inheritance. Affected: no. Observed: 1 variant allele.

Fulgent Genetics
Classification: Uncertain significance for Primary hyperoxaluria, type I. Last evaluated: 2024-05-02. Review status: criteria provided, single submitter. Criteria: ACMG Guidelines, 2015. Collection method: clinical testing. Allele origin: germline.

Clinical Biochemistry Laboratory, Health Services Laboratory
Classification: Likely pathogenic for Primary hyperoxaluria, type I. Last evaluated: 2023-10-27. Review status: criteria provided, single submitter. Criteria: ACMG Guidelines, 2015. Collection method: clinical testing. Allele origin: germline. Affected: yes.
Comment: Mutation causes folding defect and reduces thermal stability on the background of either major or minor allele (PMID:32792227). ACMG:PS3 PM2 PP3 PP5

Thalassemia Center, San Luigi University Hospital
Classification: Pathogenic for Primary hyperoxaluria, type I. Last evaluated: 2023-10-27. Review status: criteria provided, single submitter. Criteria: ACMG Guidelines, 2015. Collection method: clinical testing. Allele origin: germline. Affected: yes.
Comment: ACMG:PS3 PM2 PP3 PP5

GeneDx
Classification: Uncertain significance. Last evaluated: 2022-11-18. Review status: criteria provided, single submitter. Criteria: GeneDx Variant Classification Process June 2021. Collection method: clinical testing. Allele origin: germline. Affected: yes.
Comment: Reported in the apparent homozygous state in an individual with nephrocalcinosis, but this individual was also homozygous for another variant in the AGXT gene (Krishnamurthy et al., 2017); Reported in several publications, but detailed clinical information was not provided and it was not clear if these individuals harbored a second AGXT variant on the other allele (Williams et al., 2009; M'dimegh et al., 2017; Chatterjee et al., 2022); Published functional studies suggest a damaging effect: reduced expression and stability and increased aggregation propensity, particularly if found in combination with the P11L minor allele (Lage et al., 2014; Dindo et al., 2020); In silico analysis supports that this missense variant has a deleterious effect on protein structure/function; This variant is associated with the following publications: (PMID: 27935012, 29663716, 24718375, 29110180, 19479957, 35695965, 33457257, Chatterjee2022[paper], 28904440, 32792227)

Literature cited by the submitters: PubMed 19479957 (cited by 3 submitters); PubMed 32792227 (cited by 3 submitters); PubMed 28904440 (cited by 3 submitters); PubMed 33691640 (cited by Women's Health and Genetics/Laboratory Corporation of America, LabCorp); PubMed 24718375 (cited by Women's Health and Genetics/Laboratory Corporation of America, LabCorp); PubMed 29110180 (cited by Women's Health and Genetics/Laboratory Corporation of America, LabCorp); PubMed 27935012 (cited by Women's Health and Genetics/Laboratory Corporation of America, LabCorp); PubMed 36619171 (cited by Women's Health and Genetics/Laboratory Corporation of America, LabCorp).

NM_000030.3(AGXT):c.167T>A (p.Ile56Asn)

Gene: AGXT (alanine--glyoxylate aminotransferase; plus strand). Cytogenetic location: 2q37.3.
Variant type: single nucleotide variant.
Coding change: c.167T>A on transcript NM_000030.3 (MANE Select); coding-DNA position 167, T replaced by A.
Protein change: p.Ile56Asn; replaces isoleucine 56 with asparagine.
Molecular consequence: missense variant.
Genome position (GRCh38, 1-based): chr2:240,869,171, T>A. VCF-style: chr2-240869171-T-A. GRCh37 (hg19) VCF-style: chr2-241808588-T-A.
Other names: short protein forms I56N.
Identifiers: ClinVar variation 204077 (VCV000204077.11), dbSNP rs180177180, ClinGen allele CA275638.
Genomic context (GRCh38, chr2:240,869,171, plus strand): 5'-TGCCTCCTCACTTGGGGAGGCGGGGAGCCTGGGTCTCACCCTATACCACCCGCATGCAGA[T>A]CATGGACGAGATCAAGGAAGGCATCCAGTACGTGTTCCAGACCAGGAACCCACTCACACT-3'
Protein context (NP_000021.1, residues 46-66): IGSMSKDMYQ[Ile56Asn]MDEIKEGIQY